The following is an entry in ClinVar:

ClinVar aggregate classification (germline): Uncertain significance (1 of 4 stars; one submission).

Submission:

Labcorp Genetics (formerly Invitae), Labcorp
Classification: Uncertain significance. Last evaluated: 2022-02-05. Review status: criteria provided, single submitter. Criteria: Invitae Variant Classification Sherloc (09022015). Collection method: clinical testing. Allele origin: germline.
Comment: Algorithms developed to predict the effect of missense changes on protein structure and function are either unavailable or do not agree on the potential impact of this missense change (SIFT: "Deleterious"; PolyPhen-2: "Probably Damaging"; Align-GVGD: "Class C0"). In summary, the available evidence is currently insufficient to determine the role of this variant in disease. Therefore, it has been classified as a Variant of Uncertain Significance. This variant has not been reported in the literature in individuals affected with CCDC88A-related conditions. This variant is not present in population databases (gnomAD no frequency). This sequence change replaces proline, which is neutral and non-polar, with serine, which is neutral and polar, at codon 1675 of the CCDC88A protein (p.Pro1675Ser).

NM_001365480.1(CCDC88A):c.5026C>T (p.Pro1676Ser)

Gene: CCDC88A (coiled-coil and HOOK domain protein 88A; minus strand). Cytogenetic location: 2p16.1.
Variant type: single nucleotide variant.
Coding change: c.5026C>T on transcript NM_001365480.1 (MANE Select); coding-DNA position 5026, C replaced by T.
Protein change: p.Pro1676Ser; replaces proline 1676 with serine.
Molecular consequence: missense variant.
Genome position (GRCh38, 1-based): chr2:55,296,323, G>A on the plus strand (C>T on the coding strand, the complement: CCDC88A is on the minus strand). VCF-style: chr2-55296323-G-A. GRCh37 (hg19) VCF-style: chr2-55523459-G-A.
Other names: c.5023C>T, p.Pro1675Ser (NM_001135597.2, NM_001254943.2); c.4942C>T, p.Pro1648Ser (NM_018084.5); short protein forms P1648S, P1676S, P1675S.
Identifiers: ClinVar variation 1355493 (VCV001355493.8), dbSNP rs2104551339, ClinGen allele CA346912385.